The following is an entry in ClinVar:

ClinVar aggregate classification (germline): Uncertain significance. Review status: criteria provided, single submitter (1 of 4 stars). 3 submissions from 3 submitters: Uncertain significance (1). 2 of the submissions do not count toward it. Last evaluated 2019-04-29.

Conditions:
Global developmental delay (DD). Also called: Cognitive delay. Identifiers: MedGen C0557874, HP:0001263. Disease mechanism: loss of function.
Hypotonia. Also called: Muscular hypotonia; poor muscle tone. Identifiers: MedGen C0026827, HP:0001252.
Cerebral hypomyelination. Identifiers: MedGen C2677328, HP:0006808.
Knee flexion contracture. Identifiers: MedGen C0409355, HP:0006380.
Elbow flexion contracture. Identifiers: MedGen C0409338, HP:0002987.
Nystagmus. Identifiers: MedGen C0028738, MONDO:0004843, HP:0000639.
Intellectual disability. Also called: Intellectual functioning disability; intellectual disabilities; Intellectual developmental disorder. Identifiers: MedGen C3714756, MeSH D008607, MONDO:0001071, HP:0001249.
Autosomal recessive spinocerebellar ataxia 15. Also called: SALIH ATAXIA. Identifiers: Orphanet 404499, MedGen C3810326, MONDO:0014311, OMIM 615705.

Allele frequency attached by ClinVar (database versions not stated): TOPMed 0.00002; gnomAD 0.00004 and 0.00005; gnomAD exomes 0.00001.
gnomAD v4.1: 54 of 1,614,130 alleles (0.0033%); highest among the groups gnomAD compares: Middle Eastern, 0.016%; no homozygotes.

Submissions (3):

GeneDx
Classification: Uncertain significance. Last evaluated: 2019-04-29. Review status: criteria provided, single submitter. Criteria: GeneDx Variant Classification Process June 2021. Collection method: clinical testing. Allele origin: germline. Affected: yes.
Comment: Identified with a second homozygous missense variant in RUBCN in two siblings with developmental delay, intellectual disability, hypotonia, diffuse cortical hypomyelination, contractures of elbows and knees, and nystagmus (Charng et al., 2016); note this variant is referred to as p.Thr548Ala using alternate nomenclature; In silico analysis, which includes protein predictors and evolutionary conservation, supports that this variant does not alter protein structure/function; Variants in candidate genes are classified as variants of uncertain significance in accordance with ACMG guidelines (Richards et al., 2015); This variant is associated with the following publications: (PMID: 27435318)

Biochemical Molecular Genetic Laboratory, King Abdulaziz Medical City
Classification: Uncertain significance for Autosomal recessive spinocerebellar ataxia 15. Last evaluated: 2019-09-26. Review status: no assertion criteria provided. Collection method: clinical testing. Allele origin: germline. Affected: yes. Not counted in ClinVar's aggregate classification.

Lupski Lab, Baylor-Hopkins CMG, Baylor College of Medicine
Classification: Pathogenic for Global developmental delay; Intellectual disability; Hypotonia; Cerebral hypomyelination; Elbow flexion contracture; Knee flexion contracture; Nystagmus. Last evaluated: 2016-01-10. Review status: no assertion criteria provided. Collection method: research. Allele origin: inherited. Inheritance: Autosomal recessive inheritance. Affected: yes. Observed: 3 variant alleles, 3 homozygotes. Study: The combination of WES, CNV-derived from WES, paralog studies, and GeneMatcher provide potential molecular diagnosis in a cohort from Saudi Arabia. Not counted in ClinVar's aggregate classification.

NM_014687.4(RUBCN):c.1642A>G (p.Thr548Ala)

Gene: RUBCN (rubicon autophagy regulator; minus strand). Cytogenetic location: 3q29.
Variant type: single nucleotide variant.
Coding change: c.1642A>G on transcript NM_014687.4 (MANE Select); coding-DNA position 1642, A replaced by G.
Protein change: p.Thr548Ala; replaces threonine 548 with alanine.
Molecular consequence: missense variant.
Genome position (GRCh38, 1-based): chr3:197,694,417, T>C on the plus strand (A>G on the coding strand, the complement: RUBCN is on the minus strand). VCF-style: chr3-197694417-T-C. GRCh37 (hg19) VCF-style: chr3-197421288-T-C.
Other names: c.1507A>G, p.Thr503Ala (NM_001145642.5); c.1684A>G, p.Thr562Ala (NM_001346873.2); short protein forms T503A, T548A, T562A.
Identifiers: ClinVar variation 242883 (VCV000242883.4), dbSNP rs767982852, ClinGen allele CA90967773.